The following is an entry in ClinVar:

NM_001130145.3(YAP1):c.1180C>T (p.Arg394Ter)

Gene: YAP1 (Yes1 associated transcriptional regulator; plus strand). Cytogenetic location: 11q22.1.
Variant type: single nucleotide variant.
Coding change: c.1180C>T on transcript NM_001130145.3 (MANE Select); coding-DNA position 1180, C replaced by T.
Protein change: p.Arg394Ter; replaces arginine 394 with a stop codon.
Molecular consequence: nonsense.
Genome position (GRCh38, 1-based): chr11:102,227,485, C>T. VCF-style: chr11-102227485-C-T. GRCh37 (hg19) VCF-style: chr11-102098216-C-T.
Other names: c.1132C>T, p.Arg378Ter (NM_001195044.2); c.646C>T, p.Arg216Ter (NM_001195045.2); c.1066C>T, p.Arg356Ter (NM_001282097.2); c.1030C>T, p.Arg344Ter (NM_001282098.2); c.1078C>T, p.Arg360Ter (NM_001282099.2); c.1144C>T, p.Arg382Ter (NM_001282100.2); c.1192C>T, p.Arg398Ter (NM_001282101.2); c.1018C>T, p.Arg340Ter (NM_006106.5); short protein forms R216*, R340*, R344*, R356*, R360*, R378*, R382*, R394*.
Identifiers: ClinVar variation 4884337 (VCV004884337.1).

ClinVar aggregate classification (germline): Pathogenic (1 of 4 stars; one submission).

Conditions:
Structural eye disease.

Submission:

Genetics Laboratory, Great Ormond Street Hospital NHS Foundation Trust, North Thames Genomic Laboratory Hub
Classification: Pathogenic for Structural eye disease. Last evaluated: 2026-06-12. Review status: criteria provided, single submitter. Criteria: ACGS Best Practice Guidelines for Variant Classification in Rare Disease 2024 v1.2. Collection method: clinical testing. Allele origin: germline. Affected: yes.
Comment: PM2_moderate, PVS1_very-strong